The following is an entry in ClinVar:

ClinVar aggregate classification (germline): Uncertain significance. Review status: criteria provided, multiple submitters, no conflicts (2 of 4 stars). 2 submissions from 2 submitters: Uncertain significance (2). Last evaluated 2023-09-22.

Conditions:
Immunodeficiency 51 (IMD51). Also called: CANDIDIASIS, FAMILIAL, 5. Identifiers: Orphanet 1334, MedGen C4310803, MONDO:0013500, OMIM 613953.

gnomAD v4.1: 45 of 1,599,292 alleles (0.0028%); highest among the groups gnomAD compares: Non-Finnish European, 0.0038%; no homozygotes.

Submissions (2):

Ambry Genetics
Classification: Uncertain significance. Last evaluated: 2023-09-22. Review status: criteria provided, single submitter. Criteria: Ambry Variant Classification Scheme 2023. Collection method: clinical testing. Allele origin: germline.

Labcorp Genetics (formerly Invitae), Labcorp
Classification: Uncertain significance for Immunodeficiency 51. Last evaluated: 2023-06-10. Review status: criteria provided, single submitter. Criteria: Invitae Variant Classification Sherloc (09022015). Collection method: clinical testing. Allele origin: germline.
Comment: In summary, the available evidence is currently insufficient to determine the role of this variant in disease. Therefore, it has been classified as a Variant of Uncertain Significance. An algorithm developed to predict the effect of missense changes on protein structure and function (PolyPhen-2) suggests that this variant¬†is likely to be tolerated. ClinVar contains an entry for this variant (Variation ID: 2175266). This variant has not been reported in the literature in individuals affected with IL17RA-related conditions. This variant is present in population databases (rs779762104, gnomAD 0.002%). This sequence change replaces glycine, which is neutral and non-polar, with arginine, which is basic and polar, at codon 766 of the IL17RA protein (p.Gly766Arg).

NM_014339.7(IL17RA):c.2296G>C (p.Gly766Arg)

Gene: IL17RA (interleukin 17 receptor A; plus strand). Cytogenetic location: 22q11.1.
Variant type: single nucleotide variant.
Coding change: c.2296G>C on transcript NM_014339.7 (MANE Select); coding-DNA position 2296, G replaced by C.
Protein change: p.Gly766Arg; replaces glycine 766 with arginine.
Molecular consequence: missense variant.
Genome position (GRCh38, 1-based): chr22:17,109,515, G>C. VCF-style: chr22-17109515-G-C. GRCh37 (hg19) VCF-style: chr22-17590405-G-C.
Other names: c.2296G>C (NM_014339.5); c.2194G>C, p.Gly732Arg (NM_001289905.2); short protein forms G732R, G766R.
Identifiers: ClinVar variation 2175266 (VCV002175266.3), dbSNP rs779762104, ClinGen allele CA10086963.